The following is an entry in ClinVar:

NM_153717.3(EVC):c.34G>C (p.Ala12Pro)

Gene: EVC (EvC ciliary complex subunit 1; plus strand). Cytogenetic location: 4p16.2.
Variant type: single nucleotide variant.
Coding change: c.34G>C on transcript NM_153717.3 (MANE Select); coding-DNA position 34, G replaced by C.
Protein change: p.Ala12Pro; replaces alanine 12 with proline.
Molecular consequence: missense variant.
Genome position (GRCh38, 1-based): chr4:5,711,414, G>C. VCF-style: chr4-5711414-G-C. GRCh37 (hg19) VCF-style: chr4-5713141-G-C.
Other names: c.34G>C, p.Ala12Pro (NM_001306090.2, NM_001306092.2); short protein forms A12P.
Identifiers: ClinVar variation 1442742 (VCV001442742.6), dbSNP rs1369066723, ClinGen allele CA356156295.

ClinVar aggregate classification (germline): Uncertain significance (1 of 4 stars; one submission).

Conditions:
Ellis-van Creveld syndrome (EVC). Also called: EVC-Related Ellis-van Creveld Syndrome; EVC2-Related Ellis-van Creveld Syndrome; MESOECTODERMAL DYSPLASIA; Chondroectodermal dysplasia. Identifiers: Orphanet 289, MedGen C0013903, MONDO:0009162, OMIM 225500.
Curry-Hall syndrome (WAD). Also called: WEYERS ACRODENTAL DYSOSTOSIS. Identifiers: Orphanet 952, MedGen C0457013, MONDO:0008673, OMIM 193530.

Submission:

Labcorp Genetics (formerly Invitae), Labcorp
Classification: Uncertain significance for Curry-Hall syndrome; Ellis-van Creveld syndrome. Last evaluated: 2022-06-13. Review status: criteria provided, single submitter. Criteria: Invitae Variant Classification Sherloc (09022015). Collection method: clinical testing. Allele origin: germline.
Comment: This sequence change replaces alanine, which is neutral and non-polar, with proline, which is neutral and non-polar, at codon 12 of the EVC protein (p.Ala12Pro). The frequency data for this variant in the population databases is considered unreliable, as metrics indicate insufficient coverage at this position in the gnomAD database. This variant has not been reported in the literature in individuals affected with EVC-related conditions. Algorithms developed to predict the effect of missense changes on protein structure and function are either unavailable or do not agree on the potential impact of this missense change (SIFT: "Deleterious"; PolyPhen-2: "Possibly Damaging"; Align-GVGD: "Class C0"). In summary, the available evidence is currently insufficient to determine the role of this variant in disease. Therefore, it has been classified as a Variant of Uncertain Significance.